The following is an entry in ClinVar:

NM_001368882.1(COL13A1):c.1247A>G (p.Asp416Gly)

Gene: COL13A1 (collagen type XIII alpha 1 chain; plus strand). Cytogenetic location: 10q22.1.
Variant type: single nucleotide variant.
Coding change: c.1247A>G on transcript NM_001368882.1 (MANE Select); coding-DNA position 1247, A replaced by G.
Protein change: p.Asp416Gly; replaces aspartic acid 416 with glycine.
Molecular consequence: missense variant.
Genome position (GRCh38, 1-based): chr10:69,923,818, A>G. VCF-style: chr10-69923818-A-G. GRCh37 (hg19) VCF-style: chr10-71683574-A-G.
Other names: c.1214A>G, p.Asp405Gly (NM_001130103.2); c.1184A>G, p.Asp395Gly (NM_001320951.2, NM_001368884.1); c.1211A>G, p.Asp404Gly (NM_001368883.1); c.1148A>G, p.Asp383Gly (NM_001368885.1, NM_080801.4, NM_080802.4); c.584A>G, p.Asp195Gly (NM_001368886.1); c.1157A>G, p.Asp386Gly (NM_001368895.1, NM_080800.4); c.1043A>G, p.Asp348Gly (NM_001368896.1, NM_001368898.1, NM_080798.4); c.1070A>G, p.Asp357Gly (NM_001368897.1); and 1 more; short protein forms D195G, D383G, D404G, D354G, D386G, D357G, D395G, D416G.
Identifiers: ClinVar variation 1903796 (VCV001903796.5), dbSNP rs765479835, ClinGen allele CA5534651.

ClinVar aggregate classification (germline): Uncertain significance (1 of 4 stars; one submission).

Allele frequency attached by ClinVar (database versions not stated): TOPMed below 0.00001; gnomAD exomes 0.00001; ExAC 0.00003; gnomAD 0.00003.
gnomAD v4.1: 12 of 1,611,538 alleles (0.00074%); highest among the groups gnomAD compares: South Asian, 0.01%; no homozygotes.

Submission:

Labcorp Genetics (formerly Invitae), Labcorp
Classification: Uncertain significance. Last evaluated: 2022-05-09. Review status: criteria provided, single submitter. Criteria: Invitae Variant Classification Sherloc (09022015). Collection method: clinical testing. Allele origin: germline.
Comment: This variant is present in population databases (rs765479835, gnomAD 0.03%). This sequence change replaces aspartic acid, which is acidic and polar, with glycine, which is neutral and non-polar, at codon 405 of the COL13A1 protein (p.Asp405Gly). In summary, the available evidence is currently insufficient to determine the role of this variant in disease. Therefore, it has been classified as a Variant of Uncertain Significance. Algorithms developed to predict the effect of missense changes on protein structure and function (SIFT, PolyPhen-2, Align-GVGD) all suggest that this variant is likely to be tolerated. This variant has not been reported in the literature in individuals affected with COL13A1-related conditions.